The following is an entry in ClinVar:

ClinVar aggregate classification (germline): Uncertain significance. Review status: criteria provided, multiple submitters, no conflicts (2 of 4 stars). 4 submissions from 4 submitters: Uncertain significance (3). 1 of the submissions does not count toward it. Last evaluated 2025-11-05.

Conditions:
Hereditary breast ovarian cancer syndrome. Also called: Hereditary breast and ovarian cancer; Breast and ovarian cancer; Hereditary breast and ovarian cancer syndrome; Hereditary breast and/or ovarian cancer syndrome; BRCA1- and BRCA2-Associated Hereditary Breast and Ovarian Cancer; Hereditary breast and ovarian cancer syndrome (HBOC). Identifiers: Orphanet 145, MedGen C0677776, MeSH D061325, MONDO:0003582. Disease mechanism: loss of function.
Hereditary cancer-predisposing syndrome. Also called: Hereditary Cancer Syndrome; Hereditary neoplastic syndrome; Neoplastic Syndromes, Hereditary; Tumor predisposition. Identifiers: Orphanet 140162, MedGen C0027672, MeSH D009386, MONDO:0015356.

Submissions (4):

Labcorp Genetics (formerly Invitae), Labcorp
Classification: Uncertain significance for Hereditary breast ovarian cancer syndrome. Last evaluated: 2025-11-05. Review status: criteria provided, single submitter. Criteria: Invitae Variant Classification Sherloc (09022015). Collection method: clinical testing. Allele origin: germline.
Comment: This sequence change affects an acceptor splice site in intron 12 of the BRCA1 gene. RNA analysis indicates that disruption of this splice site induces altered splicing and likely results in the loss of 1 amino acid residue(s), but is expected to preserve the integrity of the reading-frame. This variant is not present in population databases (gnomAD no frequency). Disruption of this splice site has been observed in individual(s) with BRCA1-related conditions (PMID: 33558524, 35290602, 38219492, 38300310). It has also been observed to segregate with disease in related individuals. ClinVar contains an entry for this variant (Variation ID: 440474). Studies have shown that disruption of this splice site results in the activation of a cryptic splice site in exon 13 (PMID: 24569164; internal data). In summary, the available evidence is currently insufficient to determine the role of this variant in disease. Therefore, it has been classified as a Variant of Uncertain Significance.

Ambry Genetics
Classification: Uncertain significance for Hereditary cancer-predisposing syndrome. Last evaluated: 2024-05-31. Review status: criteria provided, single submitter. Criteria: Ambry Variant Classification Scheme 2023. Collection method: clinical testing. Allele origin: germline.
Comment: The c.4358-2A>G intronic variant results from an A to G substitution two nucleotides upstream from coding exon 12 in the BRCA1 gene. One study reported this alteration in 1 out of 76 individuals with suspected hereditary breast and/or ovarian cancer (Moradian MM. Hum Genome Var. 2021 Feb;8(1):9). In addition, this alteration was reported in several affected members of a Han Chinese family with a history of ovarian and rectal cancers (Hu PZ et al. Curr Med Sci, 2022 Jun;42:666-672). This nucleotide position is highly conserved in available vertebrate species, and is part of an acceptor site that has a known alternate acceptor site 3 nucleotides downstream of the native site, producing a transcript that is predicted to result in the in-frame loss of a single amino acid at the beginning of coding exon 12 (This transcript is also called &Delta;14p in some literature, eg Colombo M et al. Hum Mol Genet, 2014 Jul;23:3666-80). The clinical impact of alterations impacting this acceptor site is not clear. In silico splice site analysis predicts that this alteration will also result in the creation or strengthening of a novel splice acceptor site. RNA studies have demonstrated that this alteration results in a splice defect; the clinical impact of this abnormal splicing is unknown at this time (Ambry internal data). Since supporting evidence is limited at this time, the clinical significance of this alteration remains unclear.

Quest Diagnostics Nichols Institute San Juan Capistrano
Classification: Uncertain significance. Last evaluated: 2017-01-17. Review status: criteria provided, single submitter. Criteria: Quest Diagnostics criteria. Collection method: clinical testing. Allele origin: germline.

Center of Medical Genetics and Primary Health Care
Classification: Likely pathogenic for Hereditary breast and ovarian cancer syndrome. Last evaluated: 2020-04-08. Review status: no assertion criteria provided. Collection method: research. Allele origin: germline. Affected: yes. Observed: 1 heterozygote. Not counted in ClinVar's aggregate classification.
Comment: ACMG Guidelines 2015 criteria The BRCA1 c.4358-2A>G variant was found in the splice junction of exon 13 of the BRCA1 gene. Based on the position of this variant, a splice site receptor, it can potentially interfere with splicing which is an established disease mechanism (PVS1 Pathogenic Very Strong). The variant is not found in GnomAD exomes neither in GnomAD genomes (PM2 Pathogenic Moderate). 3 pathogenic predictions from EIGEN, FATHMM-MKL and MutationTaster versus 1 benign prediction from DANN support its deleterious effect (PP3 Pathogenic Supporting). Therefore, this variant was classified as a Likely Pathogenic. Therefore, this variant was classified as a Likely Pathogenic.

Literature cited by the submitters: PubMed 33558524 (cited by Labcorp Genetics (formerly Invitae), Labcorp and Ambry Genetics); PubMed 35290602 (cited by Labcorp Genetics (formerly Invitae), Labcorp and Ambry Genetics); PubMed 38219492 (cited by Labcorp Genetics (formerly Invitae), Labcorp); PubMed 38300310 (cited by Labcorp Genetics (formerly Invitae), Labcorp); PubMed 24569164 (cited by Labcorp Genetics (formerly Invitae), Labcorp and Ambry Genetics).

NM_007294.4(BRCA1):c.4358-2A>G

Gene: BRCA1 (BRCA1 DNA repair associated; minus strand). Cytogenetic location: 17q21.31.
Variant type: single nucleotide variant.
Coding change: c.4358-2A>G on transcript NM_007294.4 (MANE Select); the canonical splice acceptor site of the intron before coding-DNA position 4358, A replaced by G.
Molecular consequence: splice acceptor variant. On other transcripts: intron variant (138).
Genome position (GRCh38, 1-based): chr17:43,076,616, T>C on the plus strand (A>G on the coding strand, the complement: BRCA1 is on the minus strand). VCF-style: chr17-43076616-T-C. GRCh37 (hg19) VCF-style: chr17-41228633-T-C.
Other names: c.902-2A>G (NM_001408470.1); c.968-2A>G (NM_001408413.1, NM_001408416.1); c.4277-5A>G (NM_001407663.1, NM_001407661.1, NM_001407662.1); c.4280-2A>G (NM_001407653.1, NM_001407655.1, NM_001407654.1); c.848-2A>G (NM_001408474.1); c.4157-2A>G (NM_001407862.1); c.4280-5A>G (NM_001407658.1, NM_001407657.1); c.848-5A>G (NM_001408476.1); and 98 more.
Identifiers: ClinVar variation 440474 (VCV000440474.13), dbSNP rs1555582723, ClinGen allele CA10592832.